The following is an entry in ClinVar:

NM_001165963.4(SCN1A):c.4002+2461T>C

Genes: SCN1A (sodium voltage-gated channel alpha subunit 1; minus strand), LOC102724058 (uncharacterized LOC102724058; plus strand). Cytogenetic location: 2q24.3.
Variant type: single nucleotide variant.
Coding change: c.4002+2461T>C on transcript NM_001165963.4 (MANE Select); 2461 bases into the intron after coding-DNA position 4002, T replaced by C.
Molecular consequence: intron variant. On other transcripts: non-coding transcript variant (1).
Genome position (GRCh38, 1-based): chr2:166,007,258, A>G on the plus strand (T>C on the coding strand, the complement: SCN1A is on the minus strand). VCF-style: chr2-166007258-A-G. GRCh37 (hg19) VCF-style: chr2-166863768-A-G.
Other names: c.3969+2461T>C (NM_001353949.2, NM_001353950.2, NM_001353951.2 and 2 more transcripts); c.3918+2461T>C (NM_001353958.2, NM_001353957.2, NM_001165964.3); c.4002+2461T>C (NM_001202435.3, NM_001353948.2); c.3966+2461T>C (NM_001353955.2, NM_001353954.2); c.3915+2461T>C (NM_001353960.2); c.1560+2461T>C (NM_001353961.2).
Identifiers: ClinVar variation 1077141 (VCV001077141.2), dbSNP rs2105547148, ClinGen allele CA2499215192.
Genomic context (GRCh38, chr2:166,007,258, plus strand): 5'-GATTAAAGGTAGCAAAAGGGGTAATACAGTACCCATAATAAAGGGCTCAGGGGAGGAACC[A>G]GCGCTCCACCCCATCCAAGTTGGAGCAAGATTATCCTATACAAAATAGAAATATATAGTT-3'

ClinVar aggregate classification (germline): Likely pathogenic (0 of 4 stars; one submission).

Conditions:
Seizure. Also called: Seizures. Identifiers: MedGen C0036572, HP:0001250.

Submission:

Cipher Gene Genetics Laboratory, Cipher Gene, Inc
Classification: Likely pathogenic for Seizure. Last evaluated: 2021-05-01. Review status: no assertion criteria provided. Collection method: clinical testing. Allele origin: germline. Inheritance: Autosomal dominant inheritance. Affected: yes. Observed: 1 variant allele, 1 heterozygote.
Comment: The deep intronic variant in SCN1A co-segregated with disease in multiple affected family members, and was absent from population database (gnomAD, ExAc). Additionally, minigene studies indicate that the variant caused a 64-nt intron 23 retention.